The following is an entry in ClinVar:

ClinVar aggregate classification (germline): Uncertain significance (1 of 4 stars; one submission).

gnomAD v4.1: 2 of 1,614,060 alleles (0.00012%); highest among the groups gnomAD compares: East Asian, 0.0022%; no homozygotes.

Submission:

Labcorp Genetics (formerly Invitae), Labcorp
Classification: Uncertain significance. Last evaluated: 2025-07-08. Review status: criteria provided, single submitter. Criteria: Invitae Variant Classification Sherloc (09022015). Collection method: clinical testing. Allele origin: germline.
Comment: This sequence change replaces valine, which is neutral and non-polar, with leucine, which is neutral and non-polar, at codon 184 of the ASXL1 protein (p.Val184Leu). This variant is present in population databases (rs140731196, gnomAD 0.006%). This variant has not been reported in the literature in individuals affected with ASXL1-related conditions. An algorithm developed to predict the effect of missense changes on protein structure and function outputs the following: PolyPhen-2: "Benign". The leucine amino acid residue is found in multiple mammalian species, which suggests that this missense change does not adversely affect protein function. In summary, the available evidence is currently insufficient to determine the role of this variant in disease. Therefore, it has been classified as a Variant of Uncertain Significance.

NM_015338.6(ASXL1):c.550G>T (p.Val184Leu)

Gene: ASXL1 (ASXL transcriptional regulator 1; plus strand). Cytogenetic location: 20q11.21.
Variant type: single nucleotide variant.
Coding change: c.550G>T on transcript NM_015338.6 (MANE Select); coding-DNA position 550, G replaced by T.
Protein change: p.Val184Leu; replaces valine 184 with leucine.
Molecular consequence: missense variant.
Genome position (GRCh38, 1-based): chr20:32,429,416, G>T. VCF-style: chr20-32429416-G-T. GRCh37 (hg19) VCF-style: chr20-31017219-G-T.
Other names: c.520G>T, p.Val174Leu (NM_001363734.1); short protein forms V184L, V174L.
Identifiers: ClinVar variation 4770022 (VCV004770022.1).